The following is an entry in ClinVar:

ClinVar aggregate classification (germline): Benign/Likely benign. Review status: criteria provided, multiple submitters, no conflicts (2 of 4 stars). 2 submissions from 2 submitters: Benign (1); Likely benign (1). Last evaluated 2026-03-30.

Conditions:
KANK2-related disorder. Also called: KANK2-related condition.

Allele frequency attached by ClinVar (database versions not stated): ExAC 0.00021; 1000 Genomes Project 30x 0.00094; 1000 Genomes Project 0.00120; gnomAD exomes 0.00005; TOPMed 0.00007; gnomAD 0.00011.
gnomAD v4.1: 90 of 1,613,692 alleles (0.0056%); highest among the groups gnomAD compares: East Asian, 0.19%; no homozygotes.

Submissions (2):

PreventionGenetics, part of Exact Sciences
Classification: Likely benign for KANK2-related condition. Last evaluated: 2026-03-30. Review status: criteria provided, single submitter. Criteria: ACMG Guidelines, 2015. Collection method: clinical testing. Allele origin: germline.
Comment: This variant is classified as likely benign based on ACMG/AMP sequence variant interpretation guidelines (Richards et al. 2015 PMID: 25741868, with internal and published modifications).

Labcorp Genetics (formerly Invitae), Labcorp
Classification: Benign. Last evaluated: 2025-11-08. Review status: criteria provided, single submitter. Criteria: Invitae Variant Classification Sherloc (09022015). Collection method: clinical testing. Allele origin: germline.

NM_001136191.3(KANK2):c.2011C>T (p.Leu671=)

Gene: KANK2 (KN motif and ankyrin repeat domains 2; minus strand). Cytogenetic location: 19p13.2.
Variant type: single nucleotide variant.
Coding change: c.2011C>T on transcript NM_001136191.3 (MANE Select); coding-DNA position 2011, C replaced by T.
Protein change: p.Leu671=; no amino-acid change (leucine 671 retained).
Molecular consequence: synonymous variant.
Genome position (GRCh38, 1-based): chr19:11,174,530, G>A on the plus strand (C>T on the coding strand, the complement: KANK2 is on the minus strand). VCF-style: chr19-11174530-G-A. GRCh37 (hg19) VCF-style: chr19-11285206-G-A.
Other names: c.2011C>T, p.Leu671= (NM_001329451.2, NM_001379555.1, NM_001379556.1 and 7 more transcripts); c.2035C>T, p.Leu679= (NM_001379548.1, NM_001379549.1, NM_001379550.1 and 5 more transcripts); c.2035C>T (NM_015493.6).
Identifiers: ClinVar variation 2071244 (VCV002071244.5), dbSNP rs186909287, ClinGen allele CA9205430.